The following is an entry in ClinVar:

ClinVar aggregate classification (germline): Pathogenic (1 of 4 stars; one submission).

Conditions:
CFTR-related disorder (CFTR-RD). Also called: CFTR-related disorders; CFTR-related condition. Identifiers: MedGen C5924204, MONDO:7770004.

Submission:

Natera, Inc.
Classification: Pathogenic for CFTR-related disorders. Last evaluated: 2024-10-21. Review status: criteria provided, single submitter. Criteria: Natera Variant Classification Schema (03/2026). Collection method: clinical testing. Allele origin: germline.
Comment: The c.3036del variant in CFTR is a frameshift variant predicted to shift the reading frame beginning at codon 1012 and leads to a stop codon 11 codons downstream. This variant is expected to result in nonsense mediated decay, truncation, or a dysfunctional protein product. This variant is rare in the general population with a frequency below the threshold expected for the associated phenotype(s). This variant has been observed in one or more individuals affected with the associated recessive disease, as either homozygous or compound heterozygous with a second variant (PMID: 38662334). Given the available evidence, this variant is classified as Pathogenic.

Literature cited by the submitters: PubMed 38662334.

NM_000492.4(CFTR):c.3036del (p.Gln1012fs)

Genes: CFTR-AS2 (CFTR antisense RNA 2; minus strand), CFTR (CF transmembrane conductance regulator; plus strand), LOC111674472 (DNase I hypersensitive sites in introns 16 and 17a of CFTR; plus strand). Cytogenetic location: 7q31.2.
Variant type: Deletion.
Coding change: c.3036del on transcript NM_000492.4 (MANE Select); coding-DNA position 3036, one base deleted (A; older notation c.3036delA).
Protein change: p.Gln1012fs; shifts the reading frame from glutamine 1012.
Molecular consequence: frameshift variant.
Genome position (GRCh38, 1-based): chr7:117,610,566, A deleted; the last of 2 consecutive A bases (chr7:117,610,565-117,610,566); deleting either gives the same sequence. VCF-style (leftmost placement, unchanged base first): chr7-117610564-CA-C. GRCh37 (hg19) VCF-style: chr7-117250618-CA-C.
Other names: c.3036delA, p.Gln1012Hisfs (NM_000492.3); short protein forms Q1012fs.
Identifiers: ClinVar variation 4818525 (VCV004818525.1).
Genomic context (GRCh38, chr7:117,610,564, plus strand): 5'-TCTTTGATCTTACAGTTGTTATTAATTGTGATTGGAGCTATAGCAGTTGTCGCAGTTTTA[CA>C]ACCCTACATCTTTGTTGCAACAGTGCCAGTGATAGTGGCTTTTATTATGTTGAGAGCATA-3'